The following is an entry in ClinVar:

NM_001985.3(ETFB):c.439-285A>G

Gene: ETFB (electron transfer flavoprotein subunit beta; minus strand). Cytogenetic location: 19q13.41.
Variant type: single nucleotide variant.
Coding change: c.439-285A>G on transcript NM_001985.3 (MANE Select); 285 bases into the intron before coding-DNA position 439, A replaced by G.
Molecular consequence: intron variant.
Genome position (GRCh38, 1-based): chr19:51,347,343, T>C on the plus strand (A>G on the coding strand, the complement: ETFB is on the minus strand). VCF-style: chr19-51347343-T-C. GRCh37 (hg19) VCF-style: chr19-51850597-T-C.
Other names: c.712-285A>G (NM_001014763.1).
Identifiers: ClinVar variation 683851 (VCV000683851.2), dbSNP rs3786629, ClinGen allele CA14646829.
Genomic context (GRCh38, chr19:51,347,343, plus strand): 5'-GCTGCCAGTGAGGCCTCCCTGCCTTCCTGACAGGGAACATGTACTGAGTGCTGAGCCCTG[T>C]GCTAAGCAACTGATGTATCAAGTCATCGAATCCTCGCAGGAACTTTATGAGGTAAATGTT-3'

ClinVar aggregate classification (germline): Benign. Review status: criteria provided, multiple submitters, no conflicts (2 of 4 stars). 2 submissions from 2 submitters: Benign (2). Last evaluated 2018-06-14.

Allele frequency attached by ClinVar (database versions not stated): 1000 Genomes Project 0.45607; 1000 Genomes Project 30x 0.46221; gnomAD exomes 0.52673; TOPMed 0.53644; gnomAD 0.54309 and 0.55293.
gnomAD v4.1: 227,811 of 427,250 alleles (53%); highest among the groups gnomAD compares: Non-Finnish European, 58%; 61,849 homozygotes.

Submissions (2):

GeneDx
Classification: Benign. Last evaluated: 2018-06-14. Review status: criteria provided, single submitter. Criteria: GeneDx Variant Classification (06012015). Collection method: clinical testing. Allele origin: germline. Affected: yes.
Comment: This variant is considered likely benign or benign based on one or more of the following criteria: it is a conservative change, it occurs at a poorly conserved position in the protein, it is predicted to be benign by multiple in silico algorithms, and/or has population frequency not consistent with disease.

Breakthrough Genomics
Classification: Benign. Review status: criteria provided, single submitter. Criteria: ACMG Guidelines, 2015. Collection method: not provided. Allele origin: germline. Inheritance: Autosomal recessive inheritance. Affected: yes.